The following is an entry in ClinVar:

ClinVar aggregate classification (germline): Uncertain significance (1 of 4 stars; one submission).

Allele frequency attached by ClinVar (database versions not stated): gnomAD exomes below 0.00001; TOPMed 0.00001.
gnomAD v4.1: 1 of 1,613,248 alleles (0.000062%); highest among the groups gnomAD compares: Non-Finnish European, 0.000085%; no homozygotes.

Submission:

Labcorp Genetics (formerly Invitae), Labcorp
Classification: Uncertain significance. Last evaluated: 2022-02-08. Review status: criteria provided, single submitter. Criteria: Invitae Variant Classification Sherloc (09022015). Collection method: clinical testing. Allele origin: germline.
Comment: This sequence change replaces aspartic acid, which is acidic and polar, with glycine, which is neutral and non-polar, at codon 586 of the FBXL4 protein (p.Asp586Gly). This variant is not present in population databases (gnomAD no frequency). This variant has not been reported in the literature in individuals affected with FBXL4-related conditions. Algorithms developed to predict the effect of missense changes on protein structure and function (SIFT, PolyPhen-2, Align-GVGD) all suggest that this variant is likely to be tolerated. Algorithms developed to predict the effect of sequence changes on RNA splicing suggest that this variant may create or strengthen a splice site. In summary, the available evidence is currently insufficient to determine the role of this variant in disease. Therefore, it has been classified as a Variant of Uncertain Significance.

NM_001278716.2(FBXL4):c.1757A>G (p.Asp586Gly)

Gene: FBXL4 (F-box and leucine rich repeat protein 4; minus strand). Cytogenetic location: 6q16.1.
Variant type: single nucleotide variant.
Coding change: c.1757A>G on transcript NM_001278716.2 (MANE Select); coding-DNA position 1757, A replaced by G.
Protein change: p.Asp586Gly; replaces aspartic acid 586 with glycine.
Molecular consequence: missense variant. On other transcripts: non-coding transcript variant (1).
Genome position (GRCh38, 1-based): chr6:98,874,387, T>C on the plus strand (A>G on the coding strand, the complement: FBXL4 is on the minus strand). VCF-style: chr6-98874387-T-C. GRCh37 (hg19) VCF-style: chr6-99322263-T-C.
Other names: c.1757A>G, p.Asp586Gly (NM_012160.5); short protein forms D586G.
Identifiers: ClinVar variation 2094670 (VCV002094670.4), dbSNP rs1361443959, ClinGen allele CA365084870.
Genomic context (GRCh38, chr6:98,874,387, plus strand): 5'-AGTTCTAGCACAGCTCTGTTATCAATCTGCGAACAGAAGGACACATCAAGTAAAGAAAGA[T>C]CTTTACAAGATTCCAGGAGTTTTCTTAAGGATGCCGGACTTACCATTCTTGTTCCTATTT-3'
Protein context (NP_001265645.1, residues 576-596): SLRKLLESCK[Asp586Gly]LSLLDVSFCS